The following is an entry in ClinVar:

NM_003722.5(TP63):c.1464C>G (p.Asn488Lys)

Gene: TP63 (tumor protein p63; plus strand). Cytogenetic location: 3q28.
Variant type: single nucleotide variant.
Coding change: c.1464C>G on transcript NM_003722.5 (MANE Select); coding-DNA position 1464, C replaced by G.
Protein change: p.Asn488Lys; replaces asparagine 488 with lysine.
Molecular consequence: missense variant.
Genome position (GRCh38, 1-based): chr3:189,886,508, C>G. VCF-style: chr3-189886508-C-G. GRCh37 (hg19) VCF-style: chr3-189604297-C-G.
Other names: c.1464C>G, p.Asn488Lys (NM_001114978.2, NM_001329144.2); c.1182C>G, p.Asn394Lys (NM_001114980.2, NM_001114981.2, NM_001329145.2); c.927C>G, p.Asn309Lys (NM_001329146.2); c.1452C>G, p.Asn484Lys (NM_001329148.2); c.1170C>G, p.Asn390Lys (NM_001329149.2); c.915C>G, p.Asn305Lys (NM_001329150.2); c.1458C>G, p.Asn486Lys (NM_001329964.2); short protein forms N305K, N390K, N394K, N309K, N486K, N484K, N488K.
Identifiers: ClinVar variation 1388979 (VCV001388979.5), dbSNP rs756653133, ClinGen allele CA2752488.

ClinVar aggregate classification (germline): Uncertain significance (1 of 4 stars; one submission).

Conditions:
TP63-Related Spectrum Disorders.

gnomAD v4.1: 3 of 1,614,122 alleles (0.00019%); highest among the groups gnomAD compares: Non-Finnish European, 0.00017%; no homozygotes.

Submission:

Labcorp Genetics (formerly Invitae), Labcorp
Classification: Uncertain significance. Last evaluated: 2021-10-24. Review status: criteria provided, single submitter. Criteria: Invitae Variant Classification Sherloc (09022015). Collection method: clinical testing. Allele origin: germline.
Comment: In summary, the available evidence is currently insufficient to determine the role of this variant in disease. Therefore, it has been classified as a Variant of Uncertain Significance. Algorithms developed to predict the effect of missense changes on protein structure and function are either unavailable or do not agree on the potential impact of this missense change (SIFT: "Deleterious"; PolyPhen-2: "Probably Damaging"; Align-GVGD: "Class C0"). This variant has not been reported in the literature in individuals affected with TP63-related conditions. This variant is present in population databases (rs756653133, ExAC 0.001%). This sequence change replaces asparagine with lysine at codon 488 of the TP63 protein (p.Asn488Lys). The asparagine residue is highly conserved and there is a moderate physicochemical difference between asparagine and lysine.